The following is an entry in ClinVar:

ClinVar aggregate classification (germline): Conflicting classifications of pathogenicity. Review status: criteria provided, conflicting classifications (1 of 4 stars). 2 submissions from 2 submitters: Uncertain significance (1); Likely benign (1). Last evaluated 2022-11-25.

Allele frequency attached by ClinVar (database versions not stated): gnomAD 0.00001 and 0.00002; TOPMed 0.00001.
gnomAD v4.1: 32 of 1,613,348 alleles (0.002%); highest among the groups gnomAD compares: Non-Finnish European, 0.0023%; no homozygotes.

Submissions (2):

Blueprint Genetics
Classification: Likely benign. Last evaluated: 2022-11-25. Review status: criteria provided, single submitter. Criteria: ACMG Guidelines, 2015. Collection method: clinical testing. Allele origin: germline.

Labcorp Genetics (formerly Invitae), Labcorp
Classification: Uncertain significance. Last evaluated: 2022-02-04. Review status: criteria provided, single submitter. Criteria: Invitae Variant Classification Sherloc (09022015). Collection method: clinical testing. Allele origin: germline.
Comment: This variant is not present in population databases (gnomAD no frequency). This sequence change replaces aspartic acid, which is acidic and polar, with glutamic acid, which is acidic and polar, at codon 314 of the EFL1 protein (p.Asp314Glu). Algorithms developed to predict the effect of missense changes on protein structure and function output the following: SIFT: "Tolerated"; PolyPhen-2: "Benign"; Align-GVGD: "Class C0". The glutamic acid amino acid residue is found in multiple mammalian species, which suggests that this missense change does not adversely affect protein function. In summary, the available evidence is currently insufficient to determine the role of this variant in disease. Therefore, it has been classified as a Variant of Uncertain Significance. This variant has not been reported in the literature in individuals affected with EFL1-related conditions.

NM_024580.6(EFL1):c.942C>G (p.Asp314Glu)

Gene: EFL1 (elongation factor like GTPase 1; minus strand). Cytogenetic location: 15q25.2.
Variant type: single nucleotide variant.
Coding change: c.942C>G on transcript NM_024580.6 (MANE Select); coding-DNA position 942, C replaced by G.
Protein change: p.Asp314Glu; replaces aspartic acid 314 with glutamic acid.
Molecular consequence: missense variant. On other transcripts: non-coding transcript variant (1).
Genome position (GRCh38, 1-based): chr15:82,228,318, G>C on the plus strand (C>G on the coding strand, the complement: EFL1 is on the minus strand). VCF-style: chr15-82228318-G-C. GRCh37 (hg19) VCF-style: chr15-82520659-G-C.
Other names: c.789C>G, p.Asp263Glu (NM_001040610.3); c.153C>G, p.Asp51Glu (NM_001322844.2); c.942C>G, p.Asp314Glu (NM_001322845.2); short protein forms D51E, D263E, D314E.
Identifiers: ClinVar variation 1461978 (VCV001461978.9), dbSNP rs779193332, ClinGen allele CA273428699.